The following is an entry in ClinVar:

NM_004304.5(ALK):c.1192A>G (p.Asn398Asp)

Gene: ALK (ALK receptor tyrosine kinase; minus strand). Cytogenetic location: 2p23.2.
Variant type: single nucleotide variant.
Coding change: c.1192A>G on transcript NM_004304.5 (MANE Select); coding-DNA position 1192, A replaced by G.
Protein change: p.Asn398Asp; replaces asparagine 398 with aspartic acid.
Molecular consequence: missense variant.
Genome position (GRCh38, 1-based): chr2:29,383,822, T>C on the plus strand (A>G on the coding strand, the complement: ALK is on the minus strand). VCF-style: chr2-29383822-T-C. GRCh37 (hg19) VCF-style: chr2-29606688-T-C.
Other names: short protein forms N398D.
Identifiers: ClinVar variation 4041153 (VCV004041153.1).

ClinVar aggregate classification (germline): Uncertain significance (1 of 4 stars; one submission).

Conditions:
Hereditary cancer-predisposing syndrome. Also called: Neoplastic Syndromes, Hereditary; Tumor predisposition; Hereditary neoplastic syndrome; Hereditary Cancer Syndrome. Identifiers: Orphanet 140162, MedGen C0027672, MeSH D009386, MONDO:0015356.

Submission:

Ambry Genetics
Classification: Uncertain significance for Hereditary cancer-predisposing syndrome. Last evaluated: 2025-06-09. Review status: criteria provided, single submitter. Criteria: Ambry Variant Classification Scheme 2023. Collection method: clinical testing. Allele origin: germline.
Comment: The p.N398D variant (also known as c.1192A>G), located in coding exon 5 of the ALK gene, results from an A to G substitution at nucleotide position 1192. The asparagine at codon 398 is replaced by aspartic acid, an amino acid with highly similar properties. This amino acid position is conserved. In addition, this alteration is predicted to be tolerated by in silico analysis. Based on the available evidence, the clinical significance of this variant remains unclear.